The following is an entry in ClinVar:

ClinVar aggregate classification (germline): Conflicting classifications of pathogenicity. Review status: criteria provided, conflicting classifications (1 of 4 stars). 6 submissions from 6 submitters: Likely pathogenic (5); Uncertain significance (1). Last evaluated 2026-04-29.

Conditions:
Neuronal ceroid lipofuscinosis. Also called: Neuronal Ceroid Lipofuscinoses. Identifiers: Orphanet 216, Orphanet 79263, MedGen C0027877, MONDO:0016295. Disease mechanism: loss of function.
Late-infantile neuronal ceroid lipofuscinosis. Also called: Jansky-Bielschowsky disease. Identifiers: MedGen C0022340, MONDO:0015674.
Neuronal ceroid lipofuscinosis 7 (CLN7). Also called: MFSD8-Related Neuronal Ceroid-Lipofuscinosis. Identifiers: Orphanet 168491, Orphanet 228366, MedGen C1838571, MONDO:0012588, OMIM 610951.
MFSD8-related disorder. Also called: MFSD8-related condition.

gnomAD v4.1: 8 of 1,613,998 alleles (0.0005%); highest among the groups gnomAD compares: African/African-American, 0.0053%; no homozygotes.

Submissions (6):

PreventionGenetics, part of Exact Sciences
Classification: Likely pathogenic for MFSD8-related condition. Last evaluated: 2026-04-29. Review status: criteria provided, single submitter. Criteria: ACMG Guidelines, 2015. Collection method: clinical testing. Allele origin: germline.
Comment: The MFSD8 c.1393C>T variant is predicted to result in the amino acid substitution p.Arg465Trp. This variant was reported in the homozygous state in an individual with late infantile neuronal ceroid lipofuscinosis (Kousi et al. 2009. PubMed ID: 19201763). One in vitro functional study indicates that this variant may disrupt protein function (Lopez-Fabuel et al. 2022. PubMed ID: 35087090). This variant is reported in 0.0062% of alleles in individuals of African descent in gnomAD. An alternate amino acid change at this position (p.Arg465Gln) was previously reported in individuals with late infantile neuronal ceroid lipofuscinosis (Kousi et al. 2012. PubMed ID: 21990111; Khan et al. 2017. PubMed ID: 28586915). Taken together, we classify this variant as likely pathogenic.

Labcorp Genetics (formerly Invitae), Labcorp
Classification: Uncertain significance for Neuronal ceroid lipofuscinosis 7. Last evaluated: 2026-02-01. Review status: criteria provided, single submitter. Criteria: Invitae Variant Classification Sherloc (09022015). Collection method: clinical testing. Allele origin: germline.
Comment: This sequence change replaces arginine, which is basic and polar, with tryptophan, which is neutral and slightly polar, at codon 465 of the MFSD8 protein (p.Arg465Trp). This variant is present in population databases (no rsID available, gnomAD 0.007%). This missense change has been observed in individuals with neuronal ceroid lipofuscinosis (PMID: 19201763, 35087090, 39675099). ClinVar contains an entry for this variant (Variation ID: 847034). Invitae Evidence Modeling of protein sequence and biophysical properties (such as structural, functional, and spatial information, amino acid conservation, physicochemical variation, residue mobility, and thermodynamic stability) indicates that this missense variant is expected to disrupt MFSD8 protein function with a positive predictive value of 80%. Experimental studies are conflicting or provide insufficient evidence to determine the effect of this variant on MFSD8 function (PMID: 22668694, 34910516). This variant disrupts the p.Arg465 amino acid residue in MFSD8. Other variant(s) that disrupt this residue have been observed in individuals with MFSD8-related conditions (PMID: 21990111), which suggests that this may be a clinically significant amino acid residue. In summary, the available evidence is currently insufficient to determine the role of this variant in disease. Therefore, it has been classified as a Variant of Uncertain Significance.

Revvity Omics, Revvity
Classification: Likely pathogenic. Last evaluated: 2025-02-19. Review status: criteria provided, single submitter. Criteria: ACMG Guidelines, 2015. Collection method: clinical testing. Allele origin: germline.

Women's Health and Genetics/Laboratory Corporation of America, LabCorp
Classification: Likely pathogenic for Neuronal ceroid lipofuscinosis. Last evaluated: 2024-07-24. Review status: criteria provided, single submitter. Criteria: LabCorp Variant Classification Summary - May 2015. Collection method: clinical testing. Allele origin: germline.
Comment: Variant summary: MFSD8 c.1393C>T (p.Arg465Trp) results in a non-conservative amino acid change located in the Major facilitator superfamily domain (IPR020846) of the encoded protein sequence. Five of five in-silico tools predict a damaging effect of the variant on protein function. The variant allele was found at a frequency of 8e-06 in 251156 control chromosomes. c.1393C>T has been reported in the literature in a homozygous individual affected with late-infantile neuronal ceroid lipofuscinosis (Kousi_2009). These data indicate that the variant may be associated with disease. Several publications report experimental evidence evaluating an impact on protein function. Analysis of neural precursors cells (NPCs) generated from induced pluripotent cells (iPCs) derived from the homozygous patient showed accumulation of structurally impaired mitochondria and elevated mitochondrial reactive oxygen species (mROS) levels (Lopez-Fabuel_2022). Additionally, although one study found no detrimental effect on proteolytic cleavage of the variant MFSD8 protein (Steenhuis_2012), another functional study demonstrated that the variant resulted in significantly reduced lysosomal Cl- currents (Wang_2021). The following publications have been ascertained in the context of this evaluation (PMID: 19201763, 35087090, 22668694, 34910516). ClinVar contains an entry for this variant (Variation ID: 847034). Based on the evidence outlined above, the variant was classified as likely pathogenic.

Natera, Inc.
Classification: Likely pathogenic for Late-infantile neuronal ceroid lipofuscinosis. Last evaluated: 2024-06-09. Review status: criteria provided, single submitter. Criteria: Natera Variant Classification Schema (03/2026). Collection method: clinical testing. Allele origin: germline.
Comment: The c.1393C>T variant in MFSD8 is a missense variant predicted to cause substitution of arginine to tryptophan at amino acid 465. This variant is rare in the general population with a frequency below the threshold expected for the associated phenotype(s). This variant has been observed in one or more individuals affected with the associated recessive disease, as either homozygous or compound heterozygous with a second variant (PMID: 19201763). A different variant at the same position has been determined to be Pathogenic or Likely Pathogenic. Computational prediction algorithms indicate this variant is likely to affect gene or protein function. Given the available evidence, this variant is classified as Likely Pathogenic.

Illumina Laboratory Services, Illumina
Classification: Likely pathogenic for Neuronal ceroid lipofuscinosis 7. Last evaluated: 2023-02-21. Review status: criteria provided, single submitter. Criteria: ICSLVariantClassificationCriteria RUGD 01 April 2020. Collection method: clinical testing. Allele origin: unknown.
Comment: The MFSD8 c.1393C>T (p.Arg465Trp) missense variant results in a substitution of an arginine at amino acid position 465 with tryptophan. The c.1393C>T variant is reported in the Genome Aggregation Database in two alleles at a frequency of 0.000008 in the total population (version 2.1.1). Using whole-endolysosomal patch-clamp recording, Wang et al. 2021 demonstrated that HEK293 cells overexpressing MFSD8 cDNA constructs harboring the c.1393C>T variant produced significantly reduced chloride currents compare to wild type (PMID: 34910516). At a cellular level, patient derived neural precursor cells, homozygous for c.1393C>T show an increase in mitochondrial reactive oxygen species, lysosomal accumulation of mitochondria and mitochondrial condensation in perinuclear region of the cell (PMID: 35087090). Based on the available evidence, the c.1393C>T (p.Arg465Trp) variant is classified as likely pathogenic for neuronal ceroid lipofuscinoses.

Literature cited by the submitters: PubMed 19201763 (cited by 4 submitters); PubMed 35087090 (cited by 3 submitters); PubMed 39675099 (cited by Labcorp Genetics (formerly Invitae), Labcorp); PubMed 22668694 (cited by Labcorp Genetics (formerly Invitae), Labcorp and Women's Health and Genetics/Laboratory Corporation of America, LabCorp); PubMed 34910516 (cited by 3 submitters); PubMed 21990111 (cited by Labcorp Genetics (formerly Invitae), Labcorp and Illumina Laboratory Services, Illumina).

NM_001371596.2(MFSD8):c.1393C>T (p.Arg465Trp)

Gene: MFSD8 (major facilitator superfamily domain containing 8; minus strand). Cytogenetic location: 4q28.2.
Variant type: single nucleotide variant.
Coding change: c.1393C>T on transcript NM_001371596.2 (MANE Select); coding-DNA position 1393, C replaced by T.
Protein change: p.Arg465Trp; replaces arginine 465 with tryptophan.
Molecular consequence: missense variant.
Genome position (GRCh38, 1-based): chr4:127,920,794, G>A on the plus strand (C>T on the coding strand, the complement: MFSD8 is on the minus strand). VCF-style: chr4-127920794-G-A. GRCh37 (hg19) VCF-style: chr4-128841949-G-A.
Other names: c.1393C>T (NM_152778.3); c.1399C>T, p.Arg467Trp (NM_001371592.2); c.1279C>T, p.Arg427Trp (NM_001371593.2); c.1246C>T, p.Arg416Trp (NM_001371594.2); c.1111C>T, p.Arg371Trp (NM_001371595.1); c.943C>T, p.Arg315Trp (NM_001410765.1); c.1192C>T, p.Arg398Trp (NM_001363520.3); c.1078C>T, p.Arg360Trp (NM_001363521.3); and 4 more; short protein forms R398W, R360W, R427W, R465W, R468W, R416W, R371W, R420W.
Identifiers: ClinVar variation 847034 (VCV000847034.11), dbSNP rs1043984708, ClinGen allele CA358170788.